The following is an entry in ClinVar:

ClinVar aggregate classification (germline): Uncertain significance (1 of 4 stars; one submission).

Conditions:
Hereditary cancer-predisposing syndrome. Also called: Tumor predisposition; Hereditary Cancer Syndrome; Hereditary neoplastic syndrome; Neoplastic Syndromes, Hereditary. Identifiers: Orphanet 140162, MedGen C0027672, MeSH D009386, MONDO:0015356.

Submission:

Ambry Genetics
Classification: Uncertain significance for Hereditary cancer-predisposing syndrome. Last evaluated: 2025-11-17. Review status: criteria provided, single submitter. Criteria: Ambry Variant Classification Scheme 2023. Collection method: clinical testing. Allele origin: germline.
Comment: The p.T506A variant (also known as c.1516A>G), located in coding exon 8 of the SMARCA4 gene, results from an A to G substitution at nucleotide position 1516. The threonine at codon 506 is replaced by alanine, an amino acid with similar properties. This amino acid position is conserved. In addition, the in silico prediction for this alteration is inconclusive. Based on the available evidence, the clinical significance of this variant remains unclear.

NM_003072.5(SMARCA4):c.1516A>G (p.Thr506Ala)

Gene: SMARCA4 (SWI/SNF related BAF chromatin remodeling complex subunit ATPase 4; plus strand). Cytogenetic location: 19p13.2.
Variant type: single nucleotide variant.
Coding change: c.1516A>G on transcript NM_003072.5 (MANE Select); coding-DNA position 1516, A replaced by G.
Protein change: p.Thr506Ala; replaces threonine 506 with alanine.
Molecular consequence: missense variant. On other transcripts: non-coding transcript variant (1).
Genome position (GRCh38, 1-based): chr19:10,994,924, A>G. VCF-style: chr19-10994924-A-G. GRCh37 (hg19) VCF-style: chr19-11105600-A-G.
Other names: c.1516A>G, p.Thr506Ala (NM_001128844.3, NM_001128845.2, NM_001128846.2 and 6 more transcripts); short protein forms T506A.
Identifiers: ClinVar variation 4549726 (VCV004549726.1).